The following is an entry in ClinVar:

NM_000153.4(GALC):c.752+1G>A

Gene: GALC (galactosylceramidase; minus strand). Cytogenetic location: 14q31.3.
Variant type: single nucleotide variant.
Coding change: c.752+1G>A on transcript NM_000153.4 (MANE Select); the canonical splice donor site of the intron after coding-DNA position 752, G replaced by A.
Molecular consequence: splice donor variant.
Genome position (GRCh38, 1-based): chr14:87,976,357, C>T on the plus strand (G>A on the coding strand, the complement: GALC is on the minus strand). VCF-style: chr14-87976357-C-T. GRCh37 (hg19) VCF-style: chr14-88442701-C-T.
Other names: c.674+1G>A (NM_001201402.2); c.683+1G>A (NM_001201401.2).
Identifiers: ClinVar variation 1067314 (VCV001067314.13), dbSNP rs2140016050, ClinGen allele CA390749239.

ClinVar aggregate classification (germline): Likely pathogenic (1 of 4 stars; one submission).

Conditions:
Galactosylceramide beta-galactosidase deficiency. Also called: Krabbe Disease; Leukodystrophy, Globoid Cell; GALACTOCEREBROSIDASE DEFICIENCY; GALC DEFICIENCY; GLOBOID CELL LEUKOENCEPHALOPATHY. Identifiers: Orphanet 487, MedGen C0023521, MONDO:0009499, OMIM 245200.

Submission:

Labcorp Genetics (formerly Invitae), Labcorp
Classification: Likely pathogenic for Galactosylceramide beta-galactosidase deficiency. Last evaluated: 2023-08-20. Review status: criteria provided, single submitter. Criteria: Invitae Variant Classification Sherloc (09022015). Collection method: clinical testing. Allele origin: germline.
Comment: In summary, the currently available evidence indicates that the variant is pathogenic, but additional data are needed to prove that conclusively. Therefore, this variant has been classified as Likely Pathogenic. Algorithms developed to predict the effect of sequence changes on RNA splicing suggest that this variant may disrupt the consensus splice site. ClinVar contains an entry for this variant (Variation ID: 1067314). This variant has not been reported in the literature in individuals affected with GALC-related conditions. This variant is not present in population databases (gnomAD no frequency). This sequence change affects a donor splice site in intron 7 of the GALC gene. It is expected to disrupt RNA splicing. Variants that disrupt the donor or acceptor splice site typically lead to a loss of protein function (PMID: 16199547), and loss-of-function variants in GALC are known to be pathogenic (PMID: 7437911, 9272171, 16607461).

Literature cited by the submitters: PubMed 16199547; PubMed 7437911; PubMed 9272171; PubMed 16607461.